The following is an entry in ClinVar:

ClinVar aggregate classification (germline): not provided (0 of 4 stars; one submission).

Conditions:
Preeclampsia. Identifiers: Orphanet 275555, MedGen C0032914, MONDO:0005081, HP:0100602.

Submission:

Institute of Molecular and Cell Biology, University of Tartu
No classification provided. Condition: Preeclampsia. Review status: no classification provided. Collection method: case-control. Allele origin: unknown. Affected: yes. Study: Kasak2014.
Comment: The study aimed to determine the contribution of copy number variants in the genetic etiology of normal and complicated pregnancies. The samples represented (i) maternal blood DNA drawn from healthy pregnant women during 1st or 2nd trimester and (ii) maternal and paternal blood DNA drawn at term pregnancy cases representing normal and complicated gestations (severe preeclampsia, PE; gestational diabetes, GD; small-for-gestational age newborn, SGA; large-for-gestational age newborn, LGA). We performed CNV calling based on genome-wide genotyping dataset (Illumina HumanOmniExpress-24-v1 BeadChip) by applying three algorithms, QuantiSNP, GADA (Genome Alteration Detection Algorithm) and CNstream in parallel. The acquired CNV calls were merged with HD-CNV (Hotspot Detector for Copy Number Variants) program and only the CNVs predicted by at least two programs, were considered in subsequent analysis.

Literature cited by the submitters: PubMed 25666259.

NC_000021.8:g.35027142_35056247del

Gene: ITSN1 (intersectin 1; plus strand). Cytogenetic location: 21q22.11.
Variant type: Deletion.
Identifiers: ClinVar variation 157470 (VCV000157470.2).